The following is an entry in ClinVar:

NM_001540.5(HSPB1):c.379C>T (p.Arg127Trp)

Gene: HSPB1 (heat shock protein family B (small) member 1; plus strand). Cytogenetic location: 7q11.23.
Variant type: single nucleotide variant.
Coding change: c.379C>T on transcript NM_001540.5 (MANE Select); coding-DNA position 379, C replaced by T.
Protein change: p.Arg127Trp; replaces arginine 127 with tryptophan.
Molecular consequence: missense variant.
Genome position (GRCh38, 1-based): chr7:76,303,816, C>T. VCF-style: chr7-76303816-C-T. GRCh37 (hg19) VCF-style: chr7-75933133-C-T.
Other names: c.379C>T, p.Arg127Trp (LRG_248t1); short protein forms R127W.
Identifiers: ClinVar variation 7479 (VCV000007479.22), dbSNP rs29001571, ClinGen allele CA118822.

ClinVar aggregate classification (germline): Pathogenic. Review status: criteria provided, multiple submitters, no conflicts (2 of 4 stars). 11 submissions from 9 submitters: Pathogenic (9). 2 of the submissions do not count toward it. Last evaluated 2025-11-09.

Conditions:
Inborn genetic diseases. Identifiers: MedGen C0950123, MeSH D030342.
HSPB1-related disorder. Also called: HSPB1-related disorders; HSPB1-related condition.
Charcot-Marie-Tooth disease axonal type 2F (CMT2F). Also called: Charcot-Marie-Tooth Neuropathy Type 2F; CHARCOT-MARIE-TOOTH DISEASE, NEURONAL, TYPE 2F. Identifiers: Orphanet 99940, MedGen C1847823, MONDO:0011687, OMIM 606595.
Neuronopathy, distal hereditary motor, type 2B. Also called: NEURONOPATHY, DISTAL HEREDITARY MOTOR, AUTOSOMAL DOMINANT 3; NEURONOPATHY, DISTAL HEREDITARY MOTOR, HARDING TYPE IIB; NEUROPATHY, DISTAL HEREDITARY MOTOR, HARDING TYPE IIB; HMN IIB. Identifiers: Orphanet 139525, MedGen C2608087, MONDO:0012080, OMIM 608634.

Submissions (11):

Labcorp Genetics (formerly Invitae), Labcorp
Classification: Pathogenic for Charcot-Marie-Tooth disease axonal type 2F. Last evaluated: 2025-11-09. Review status: criteria provided, single submitter. Criteria: Invitae Variant Classification Sherloc (09022015). Collection method: clinical testing. Allele origin: germline.
Comment: This sequence change replaces arginine, which is basic and polar, with tryptophan, which is neutral and slightly polar, at codon 127 of the HSPB1 protein (p.Arg127Trp). This variant is not present in population databases (gnomAD no frequency). This missense change has been observed in individuals with autosomal dominant Charcot-Marie-Tooth disease and/or distal hereditary motor neuropathy (PMID: 15122254, 16215937, 20660910). It has also been observed to segregate with disease in related individuals. ClinVar contains an entry for this variant (Variation ID: 7479). Invitae Evidence Modeling of protein sequence and biophysical properties (such as structural, functional, and spatial information, amino acid conservation, physicochemical variation, residue mobility, and thermodynamic stability) indicates that this missense variant is expected to disrupt HSPB1 protein function with a positive predictive value of 95%. Experimental studies have shown that this missense change affects HSPB1 function (PMID: 20178975, 22031878). This variant disrupts the p.Arg127 amino acid residue in HSPB1. Other variant(s) that disrupt this residue have been determined to be pathogenic (PMID: 25025039, 26675522). This suggests that this residue is clinically significant, and that variants that disrupt this residue are likely to be disease-causing. For these reasons, this variant has been classified as Pathogenic.

GeneDx
Classification: Pathogenic. Last evaluated: 2024-10-23. Review status: criteria provided, single submitter. Criteria: GeneDx Variant Classification Process June 2021. Collection method: clinical testing. Allele origin: germline. Affected: yes.
Comment: Published functional studies demonstrate a damaging effect: hyperphosphorylation and reduced anterograde transport of neurofilaments, disturbed microtubule dynamics, and defective autophagy (PMID: 30669930, 20178975, 22031878, 23728742); Not observed at significant frequency in large population cohorts (gnomAD); In silico analysis supports that this missense variant has a deleterious effect on protein structure/function; This variant is associated with the following publications: (PMID: 23728742, 22031878, 20178975, 20660910, 21983720, 16215937, 21149811, 36539320, 36291591, 30669930, 34255403, 15122254, 32334137, 33509756, 34650302, 16087758, 28286897, 35297556)

Blueprint Genetics
Classification: Pathogenic for HSPB1-related disorders. Last evaluated: 2024-07-09. Review status: criteria provided, single submitter. Criteria: ACMG Guidelines, 2015. Collection method: clinical testing. Allele origin: germline. Affected: yes. Observed: 1 variant allele.

Intergen Genetics and Rare Diseases Diagnosis Center
Classification: Pathogenic for Charcot-Marie-Tooth disease axonal type 2F. Last evaluated: 2023-08-31. Review status: criteria provided, single submitter. Criteria: ACMG Guidelines, 2015. Collection method: clinical testing. Allele origin: germline. Inheritance: Autosomal dominant inheritance. Affected: yes. Observed: 1 heterozygote.

ARUP Laboratories, Molecular Genetics and Genomics, ARUP Laboratories
Classification: Pathogenic. Last evaluated: 2023-01-06. Review status: criteria provided, single submitter. Criteria: ARUP Molecular Germline Variant Investigation Process 2024. Collection method: clinical testing. Allele origin: germline.
Comment: The HSBP1 c.379C>T; p.Arg127Trp variant (rs29001571) is reported in the literature in numerous individuals affected with CMT type 2 and distal hereditary motor neuropathy including a single de novo occurrence (Evgrafov 2004, Katz 2020, Solla 2010, Wu 2022). This variant was also found to segregate with disease in multiple families (Evgrafov 2004, Solla 2010). Functional analyses found the variant protein disrupts microtubule dynamics and reduces anterograde transport of neurofilaments (Almedia-Souza 2011, Holmgren 2013). This variant is also reported in ClinVar (Variation ID: 7479) and absent from the Genome Aggregation Database, indicating it is not a common polymorphism. The arginine at codon 127 is moderately conserved, and computational analyses predict that this variant is deleterious (REVEL: 0.774). Based on available information, this variant is considered to be pathogenic. References: Almeida-Souza L et al. Small heat-shock protein HSPB1 mutants stabilize microtubules in Charcot-Marie-Tooth neuropathy. J Neurosci. 2011 Oct 26;31(43):15320-8. PMID: 22031878. Evgrafov OV et al. Mutant small heat-shock protein 27 causes axonal Charcot-Marie-Tooth disease and distal hereditary motor neuropathy. Nat Genet. 2004 Jun;36(6):602-6. PMID: 15122254. Holmgren A et al. Charcot-Marie-Tooth causing HSPB1 mutations increase Cdk5-mediated phosphorylation of neurofilaments. Acta Neuropathol. 2013 Jul;126(1):93-108. PMID: 23728742. Katz M et al. Mutations in heat shock protein beta-1 (HSPB1) are associated with a range of clinical phenotypes related to different patterns of motor neuron dysfunction: A case series. J Neurol Sci. 2020 Jun 15;413:116809. PMID: 32334137. Solla P et al. Heat shock protein 27 R127W mutation: evidence of a continuum between axonal Charcot-Marie-Tooth and distal hereditary motor neuropathy. J Neurol Neurosurg Psychiatry. 2010 Sep;81(9):958-62. PMID: 20660910. Wu C et al. Genetic spectrum in a cohort of patients with distal hereditary motor neuropathy. Ann Clin Transl Neurol. 2022 May;9(5):633-643. PMID: 35297556.

Athena Diagnostics
Classification: Pathogenic. Last evaluated: 2022-12-15. Review status: criteria provided, single submitter. Criteria: Athena Diagnostics Criteria. Collection method: clinical testing. Allele origin: unknown.
Comment: This variant has been identified in multiple unrelated individuals with clinical features associated with this gene and appears to segregate with disease in at least one family. This variant has not been reported in large, multi-ethnic general populations. Assessment of experimental evidence suggests this variant results in abnormal protein function. (PMID: 30669930, 29330367, 29048431).

Institute of Human Genetics, University of Leipzig Medical Center
Classification: Pathogenic for Neuronopathy, distal hereditary motor, type 2B. Last evaluated: 2021-07-28. Review status: criteria provided, single submitter. Criteria: ACMG Guidelines, 2015. Collection method: clinical testing. Allele origin: germline. Affected: yes.

Ambry Genetics
Classification: Pathogenic for Inborn genetic diseases. Last evaluated: 2021-07-19. Review status: criteria provided, single submitter. Criteria: Ambry Variant Classification Scheme 2023. Collection method: clinical testing. Allele origin: germline.
Comment: The p.R127W pathogenic mutation (also known as c.379C>T), located in coding exon 2 of the HSPB1 gene, results from a C to T substitution at nucleotide position 379. The arginine at codon 127 is replaced by tryptophan, an amino acid with dissimilar properties. This variant has been observed in the heterozygous state in several individuals with Charcot-Marie-Tooth disease, axonal, type 2F (CMT2F) and distal hereditary motor neuronopathy type IIB (dHMNIIB), and it has been shown to segregate with Charcot-Marie-Tooth disease type 2 in multiple unrelated families (Evgrafov OV et al. Nat Genet, 2004 Jun;36:602-6; Chen J et al. Nan Fang Yi Ke Da Xue Xue Bao, 2021 Jan;41:75-78; Katz M et al. J Neurol Sci, 2020 06;413:116809; Tanabe H et al. J Peripher Nerv Syst, 2018 03;23:40-48; Tang B et al. Arch Neurol, 2005 Aug;62:1201-7; Solla P et al. J Neurol Neurosurg Psychiatry, 2010 Sep;81:958-62; Echaniz-Laguna A et al. Hum Mutat, 2017 05;38:556-568). In vitro experimental studies show that this alteration affects neurofilament interaction with kinesin, destabilizes intersubunit contacts, and may induce HspB1 monomerization (Almeida-Souza L et al. J Biol Chem, 2010 Apr;285:12778-86; Almeida-Souza L et al. J Neurosci, 2011 Oct;31:15320-8; Holmgren A et al. Acta Neuropathol, 2013 Jul;126:93-108). This variant is considered to be rare based on population cohorts in the Genome Aggregation Database (gnomAD). Based on the supporting evidence, this alteration is interpreted as a disease-causing mutation.

Institute of Human Genetics, University of Leipzig Medical Center
Classification: Pathogenic for Charcot-Marie-Tooth disease axonal type 2F. Last evaluated: 2020-10-20. Review status: criteria provided, single submitter. Criteria: ACMG Guidelines, 2015. Collection method: clinical testing. Allele origin: unknown. Affected: yes.

OMIM
Classification: Pathogenic for NEURONOPATHY, DISTAL HEREDITARY MOTOR, AUTOSOMAL DOMINANT 3. Last evaluated: 2005-08-01. Review status: no assertion criteria provided. Collection method: literature only. Allele origin: germline. Not counted in ClinVar's aggregate classification.

OMIM
Classification: Pathogenic for CHARCOT-MARIE-TOOTH DISEASE, AXONAL, TYPE 2F. Last evaluated: 2005-08-01. Review status: no assertion criteria provided. Collection method: literature only. Allele origin: germline. Not counted in ClinVar's aggregate classification.

Literature cited by the submitters: PubMed 15122254 (cited by 4 submitters); PubMed 16215937 (cited by Labcorp Genetics (formerly Invitae), Labcorp); PubMed 20660910 (cited by 3 submitters); PubMed 20178975 (cited by 3 submitters); PubMed 22031878 (cited by 3 submitters); PubMed 25025039 (cited by Labcorp Genetics (formerly Invitae), Labcorp); PubMed 26675522 (cited by Labcorp Genetics (formerly Invitae), Labcorp); PubMed 30669930 (cited by Athena Diagnostics and Ambry Genetics); PubMed 29381233 (cited by Athena Diagnostics and Ambry Genetics); PubMed 29330367 (cited by Athena Diagnostics and Ambry Genetics); PubMed 29048431 (cited by Athena Diagnostics and Ambry Genetics); PubMed 28144995 (cited by Athena Diagnostics and Ambry Genetics); PubMed 23728742 (cited by Athena Diagnostics and Ambry Genetics); PubMed 16087758 (cited by 3 submitters); PubMed 28286897 (cited by Athena Diagnostics); PubMed 36291591 (cited by Athena Diagnostics); PubMed 32334137 (cited by Ambry Genetics); PubMed 33509756 (cited by Ambry Genetics).